The following is an entry in ClinVar:

NM_005245.4(FAT1):c.5832AAG[1] (p.Arg1945del)

Gene: FAT1 (FAT atypical cadherin 1; minus strand). Cytogenetic location: 4q35.2.
Variant type: Microsatellite.
Coding change: c.5832AAG[1] on transcript NM_005245.4 (MANE Select); one copy of the 3-base unit AAG starting at c.5832; the reference has two copies in a row; one copy, 3 bases deleted.
Protein change: p.Arg1945del; deletes arginine 1945.
Molecular consequence: inframe deletion.
Genome position (GRCh38, 1-based): chr4:186,620,749-186,620,751, CTT deleted on the plus strand (AAG on the coding strand, the reverse complement: FAT1 is on the minus strand); deleting any 3 consecutive bases within chr4:186,620,749-186,620,754 gives the same sequence; the position shown is the placement nearest the transcript's 3' end. VCF-style (leftmost placement, unchanged base first): chr4-186620748-GCTT-G. GRCh37 (hg19) VCF-style: chr4-187541902-GCTT-G.
Other names: c.5832AAG[1], p.Arg1945del (NM_001440455.1, NM_001440456.1, NM_001440457.1); short protein forms R1945del.
Identifiers: ClinVar variation 5001033 (VCV005001033.1).

ClinVar aggregate classification (germline): Uncertain significance (1 of 4 stars; one submission).

Conditions:
FAT1-related disorder. Also called: FAT1-related condition.

Submission:

PreventionGenetics, part of Exact Sciences
Classification: Uncertain significance for FAT1-related condition. Last evaluated: 2025-06-14. Review status: criteria provided, single submitter. Criteria: ACMG Guidelines, 2015. Collection method: clinical testing. Allele origin: germline.
Comment: The FAT1 c.5835_5837delAAG variant is predicted to result in an in-frame deletion (p.Arg1945del). To our knowledge, this variant has not been reported in the literature or in a large population database (gnomAD), indicating this variant is rare. At this time, the clinical significance of this variant is uncertain due to the absence of conclusive functional and genetic evidence.